The following is an entry in ClinVar:

NM_001035.3(RYR2):c.4746C>G (p.Cys1582Trp)

Gene: RYR2 (ryanodine receptor 2; plus strand). Cytogenetic location: 1q43.
Variant type: single nucleotide variant.
Coding change: c.4746C>G on transcript NM_001035.3 (MANE Select); coding-DNA position 4746, C replaced by G.
Protein change: p.Cys1582Trp; replaces cysteine 1582 with tryptophan.
Molecular consequence: missense variant.
Genome position (GRCh38, 1-based): chr1:237,610,824, C>G. VCF-style: chr1-237610824-C-G. GRCh37 (hg19) VCF-style: chr1-237774124-C-G.
Other names: short protein forms C1582W.
Identifiers: ClinVar variation 4282106 (VCV004282106.1).
Genomic context (GRCh38, chr1:237,610,824, plus strand): 5'-TGTGATGCCTCTCTCGGCGGGATTATTCAAGAGTGAGCACAAGAACCCCGTGCCGCAGTG[C>G]CCCCCGCGCCTCCACGTGCAGTTCCTGTCACACGTCCTGTGGAGCAGAATGCCCAACCAG-3'
Protein context (NP_001026.2, residues 1572-1592): KSEHKNPVPQ[Cys1582Trp]PPRLHVQFLS

ClinVar aggregate classification (germline): Uncertain significance (1 of 4 stars; one submission).

gnomAD v4.1: 9 of 1,611,564 alleles (0.00056%); highest among the groups gnomAD compares: South Asian, 0.0088%; no homozygotes.

Submission:

GeneDx
Classification: Uncertain significance. Last evaluated: 2025-04-17. Review status: criteria provided, single submitter. Criteria: GeneDx Variant Classification Process June 2021. Collection method: clinical testing. Allele origin: germline. Affected: yes.
Comment: Not observed at significant frequency in large population cohorts (gnomAD); In silico analysis supports that this missense variant has a deleterious effect on protein structure/function; Has not been previously published as pathogenic or benign to our knowledge; Not located in one of the three hot-spot regions of the RYR2 gene, where the majority of pathogenic missense variants occur (PMID: 19926015); This variant is associated with the following publications: (PMID: 19926015)